The following is an entry in ClinVar:

ClinVar aggregate classification (germline): Conflicting classifications of pathogenicity. Review status: criteria provided, conflicting classifications (1 of 4 stars). 4 submissions from 3 submitters: Uncertain significance (1); Benign (1); Likely benign (2). Last evaluated 2026-02-03.

Conditions:
RASopathy. Also called: Noonan spectrum disorder; rasopathies. Identifiers: Orphanet 536391, MedGen C5555857, MONDO:0021060.
Fibromatosis, gingival, 1 (GINGF1). Identifiers: Orphanet 2024, MedGen C4551558, MONDO:0007609, OMIM 135300.
Noonan syndrome 4 (NS4). Also called: SOS1-Related Noonan Syndrome; NOONAN SYNDROME WITH PIGMENTED VILLONODULAR SYNOVITIS. Identifiers: Orphanet 648, MedGen C1853120, MONDO:0012547, OMIM 610733.

Allele frequency attached by ClinVar (database versions not stated): TOPMed 0.00003; ExAC 0.00005; gnomAD 0.00005; gnomAD exomes 0.00005 and 0.00006; ESP Exome Variant Server 0.00008.
gnomAD v4.1: 99 of 1,613,002 alleles (0.0061%); highest among the groups gnomAD compares: Non-Finnish European, 0.0081%; no homozygotes.

Submissions (4):

Labcorp Genetics (formerly Invitae), Labcorp
Classification: Likely benign for RASopathy. Last evaluated: 2026-02-03. Review status: criteria provided, single submitter. Criteria: Invitae Variant Classification Sherloc (09022015). Collection method: clinical testing. Allele origin: germline.

GeneDx
Classification: Likely benign. Last evaluated: 2018-04-03. Review status: criteria provided, single submitter. Criteria: GeneDx Variant Classification (06012015). Collection method: clinical testing. Allele origin: germline. Affected: yes.
Comment: This variant is considered likely benign or benign based on one or more of the following criteria: it is a conservative change, it occurs at a poorly conserved position in the protein, it is predicted to be benign by multiple in silico algorithms, and/or has population frequency not consistent with disease.

Illumina Laboratory Services, Illumina
Classification: Uncertain significance for Noonan syndrome 4. Last evaluated: 2018-03-02. Review status: criteria provided, single submitter. Criteria: ICSL Variant Classification Criteria 13 December 2019. Collection method: clinical testing. Allele origin: germline.

Illumina Laboratory Services, Illumina
Classification: Benign for Fibromatosis, gingival, 1. Last evaluated: 2018-02-26. Review status: criteria provided, single submitter. Criteria: ICSL Variant Classification Criteria 13 December 2019. Collection method: clinical testing. Allele origin: germline.
Comment: This variant was observed in the ICSL laboratory as part of a predisposition screen in an ostensibly healthy population. It had not been previously curated by ICSL or reported in the Human Gene Mutation Database (HGMD: prior to June 1st, 2018), and was therefore a candidate for classification through an automated scoring system. Utilizing variant allele frequency, disease prevalence and penetrance estimates, and inheritance mode, an automated score was calculated to assess if this variant is too frequent to cause the disease. Based on the score and internal cut-off values, a variant classified as benign is not then subjected to further curation. The score for this variant resulted in a classification of benign for this disease.

NM_005633.4(SOS1):c.864+12A>C

Gene: SOS1 (SOS Ras/Rac guanine nucleotide exchange factor 1; minus strand). Cytogenetic location: 2p22.1.
Variant type: single nucleotide variant.
Coding change: c.864+12A>C on transcript NM_005633.4 (MANE Select); 12 bases into the intron after coding-DNA position 864, A replaced by C.
Molecular consequence: intron variant.
Genome position (GRCh38, 1-based): chr2:39,051,132, T>G on the plus strand (A>C on the coding strand, the complement: SOS1 is on the minus strand). VCF-style: chr2-39051132-T-G. GRCh37 (hg19) VCF-style: chr2-39278273-T-G.
Other names: c.843+12A>C (NM_001382394.1); c.864+12A>C (NM_001382395.1).
Identifiers: ClinVar variation 561344 (VCV000561344.12), dbSNP rs374379005, ClinGen allele CA1624716.